The following is an entry in ClinVar:

NM_001378454.1(ALMS1):c.8077G>T (p.Glu2693Ter)

Gene: ALMS1 (ALMS1 centrosome and basal body associated protein; plus strand). Cytogenetic location: 2p13.1.
Variant type: single nucleotide variant.
Coding change: c.8077G>T on transcript NM_001378454.1 (MANE Select); coding-DNA position 8077, G replaced by T.
Protein change: p.Glu2693Ter; replaces glutamic acid 2693 with a stop codon.
Molecular consequence: nonsense.
Genome position (GRCh38, 1-based): chr2:73,490,036, G>T. VCF-style: chr2-73490036-G-T. GRCh37 (hg19) VCF-style: chr2-73717163-G-T.
Other names: c.8080G>T, p.Glu2694Ter (NM_015120.4); short protein forms E2693*, E2694*.
Identifiers: ClinVar variation 1726721 (VCV001726721.2), dbSNP rs1411820884, ClinGen allele CA347267325.

ClinVar aggregate classification (germline): Likely pathogenic (1 of 4 stars; one submission).

Conditions:
Alstrom syndrome (ALMS). Identifiers: Orphanet 64, MedGen C0268425, MONDO:0008763, OMIM 203800.

Allele frequency attached by ClinVar (database versions not stated): TOPMed below 0.00001; gnomAD 0.00001.
gnomAD v4.1: 1 of 1,614,088 alleles (0.000062%); highest among the groups gnomAD compares: African/African-American, 0.0013%; no homozygotes.

Submission:

Myriad Genetics, Inc.
Classification: Likely pathogenic for Alstrom syndrome. Last evaluated: 2021-12-31. Review status: criteria provided, single submitter. Criteria: Myriad Women's Health Autosomal Recessive and X-Linked Classification Criteria (2021). Collection method: clinical testing. Allele origin: unknown.
Comment: NM_015120.4(ALMS1):c.8080G>T(E2694*) is expected to be pathogenic in the context of Alstrom syndrome. This variant is predicted to lead to an abnormal or absent protein product due to the creation of a premature termination codon in ALMS1, a gene where loss-of-function variants are known to be pathogenic. Please note: this variant was assessed in the context of healthy population screening.